The following is an entry in ClinVar:

NM_000702.4(ATP1A2):c.994G>A (p.Glu332Lys)

Gene: ATP1A2 (ATPase Na+/K+ transporting subunit alpha 2; plus strand). Cytogenetic location: 1q23.2.
Variant type: single nucleotide variant.
Coding change: c.994G>A on transcript NM_000702.4 (MANE Select); coding-DNA position 994, G replaced by A.
Protein change: p.Glu332Lys; replaces glutamic acid 332 with lysine.
Molecular consequence: missense variant.
Genome position (GRCh38, 1-based): chr1:160,127,797, G>A. VCF-style: chr1-160127797-G-A. GRCh37 (hg19) VCF-style: chr1-160097587-G-A.
Other names: short protein forms E332K.
Identifiers: ClinVar variation 1508258 (VCV001508258.8), dbSNP rs2101988492, ClinGen allele CA343238811.
Genomic context (GRCh38, chr1:160,127,797, plus strand): 5'-GGCTACAGCTGGCTGGAGGCAGTCATCTTCCTCATCGGCATCATAGTGGCCAACGTGCCT[G>A]AGGGGCTTCTGGCCACTGTCACTGTGAGTGGGTCAGGCTGAGGTGCCACCAGGGGAGGGT-3'
Protein context (NP_000693.1, residues 322-342): LIGIIVANVP[Glu332Lys]GLLATVTVCL

ClinVar aggregate classification (germline): Uncertain significance (1 of 4 stars; one submission).

Conditions:
Familial hemiplegic migraine. Identifiers: MedGen C0338484, MONDO:0000700.

Submission:

Labcorp Genetics (formerly Invitae), Labcorp
Classification: Uncertain significance for Familial hemiplegic migraine. Last evaluated: 2021-05-26. Review status: criteria provided, single submitter. Criteria: Invitae Variant Classification Sherloc (09022015). Collection method: clinical testing. Allele origin: germline.
Comment: This variant is not present in population databases (ExAC no frequency). This sequence change replaces glutamic acid with lysine at codon 332 of the ATP1A2 protein (p.Glu332Lys). The glutamic acid residue is highly conserved and there is a small physicochemical difference between glutamic acid and lysine. This variant has not been reported in the literature in individuals with ATP1A2-related conditions. In summary, the available evidence is currently insufficient to determine the role of this variant in disease. Therefore, it has been classified as a Variant of Uncertain Significance. Advanced modeling of protein sequence and biophysical properties (such as structural, functional, and spatial information, amino acid conservation, physicochemical variation, residue mobility, and thermodynamic stability) performed at Invitae indicates that this missense variant is expected to disrupt ATP1A2 protein function.